The following is an entry in ClinVar:

NM_003076.5(SMARCD1):c.106C>T (p.Pro36Ser)

Genes: SMARCD1 (SWI/SNF related BAF chromatin remodeling complex subunit D1; plus strand), LOC130007872 (ATAC-STARR-seq lymphoblastoid silent region 4446; plus strand). Cytogenetic location: 12q13.12.
Variant type: single nucleotide variant.
Coding change: c.106C>T on transcript NM_003076.5 (MANE Select); coding-DNA position 106, C replaced by T.
Protein change: p.Pro36Ser; replaces proline 36 with serine.
Molecular consequence: missense variant.
Genome position (GRCh38, 1-based): chr12:50,085,475, C>T. VCF-style: chr12-50085475-C-T. GRCh37 (hg19) VCF-style: chr12-50479258-C-T.
Other names: c.106C>T, p.Pro36Ser (NM_139071.3); short protein forms P36S.
Identifiers: ClinVar variation 4882848 (VCV004882848.2).
Genomic context (GRCh38, chr12:50,085,475, plus strand): 5'-GCCGGAGCCTCAGGAGGGGCGGGCGCGGCTGCTGCCTTGGGCCCGGGCGGAACTCCGGGG[C>T]CTCCTGTGCGAATGGGCCCGGCTCCGGGTCAAGGGCTGTACCGCTCCCCGATGCCCGGAG-3'
Protein context (NP_003067.3, residues 26-46): AALGPGGTPG[Pro36Ser]PVRMGPAPGQ

ClinVar aggregate classification (germline): Uncertain significance (1 of 4 stars; one submission).

Conditions:
Coffin-Siris syndrome 11. Identifiers: MedGen C5241442, MONDO:0032912, OMIM 618779.

gnomAD v4.1: 1 of 1,239,332 alleles (0.000081%); highest among the groups gnomAD compares: Non-Finnish European, 0.0001%; no homozygotes.

Submission:

Dasa
Classification: Uncertain significance for Coffin-Siris syndrome 11. Last evaluated: 2026-04-26. Review status: criteria provided, single submitter. Criteria: DASA Assertion Criteria. Collection method: clinical testing. Allele origin: germline.
Comment: NM_003076.5(SMARCD1):c.106C>T (p.Pro36Ser) is a missense variant that results in the substitution of proline with serine. This variant is rare in population databases. The currently available literature and clinical evidence are not sufficient to establish a definitive association between this variant and the reported condition. Therefore, this variant is classified as a variant of uncertain significance.